The following is an entry in ClinVar:

ClinVar aggregate classification (germline): Uncertain significance. Review status: criteria provided, multiple submitters, no conflicts (2 of 4 stars). 4 submissions from 4 submitters: Uncertain significance (3). 1 of the submissions does not count toward it. Last evaluated 2025-09-02.

Conditions:
Inborn genetic diseases. Identifiers: MedGen C0950123, MeSH D030342.
Hajdu-Cheney syndrome (HJCYS). Also called: SERPENTINE FIBULA-POLYCYSTIC KIDNEY SYNDROME; ACROOSTEOLYSIS WITH OSTEOPOROSIS AND CHANGES IN SKULL AND MANDIBLE; Acroosteolysis dominant type. Identifiers: Orphanet 955, MedGen C0917715, MONDO:0007057, OMIM 102500.
Alagille syndrome due to a NOTCH2 point mutation. Also called: Alagille syndrome 2. Identifiers: Orphanet 261629, Orphanet 52, MedGen C1857761, MONDO:0012439, OMIM 610205.
NOTCH2-related disorder. Also called: NOTCH2-related condition.

gnomAD v4.1: 11 of 1,599,046 alleles (0.00069%); highest among the groups gnomAD compares: African/African-American, 0.013%; no homozygotes.

Submissions (4):

Labcorp Genetics (formerly Invitae), Labcorp
Classification: Uncertain significance for Hajdu-Cheney syndrome. Last evaluated: 2025-09-02. Review status: criteria provided, single submitter. Criteria: Invitae Variant Classification Sherloc (09022015). Collection method: clinical testing. Allele origin: germline.
Comment: This sequence change replaces proline, which is neutral and non-polar, with arginine, which is basic and polar, at codon 1334 of the NOTCH2 protein (p.Pro1334Arg). This variant is present in population databases (rs772588398, gnomAD 0.01%). This variant has not been reported in the literature in individuals affected with NOTCH2-related conditions. ClinVar contains an entry for this variant (Variation ID: 2153398). Invitae Evidence Modeling of protein sequence and biophysical properties (such as structural, functional, and spatial information, amino acid conservation, physicochemical variation, residue mobility, and thermodynamic stability) indicates that this missense variant is not expected to disrupt NOTCH2 protein function with a negative predictive value of 80%. In summary, the available evidence is currently insufficient to determine the role of this variant in disease. Therefore, it has been classified as a Variant of Uncertain Significance.

Fulgent Genetics
Classification: Uncertain significance for Hajdu-Cheney syndrome; Alagille syndrome due to a NOTCH2 point mutation. Last evaluated: 2024-04-26. Review status: criteria provided, single submitter. Criteria: ACMG Guidelines, 2015. Collection method: clinical testing. Allele origin: germline.

Ambry Genetics
Classification: Uncertain significance for Inborn genetic diseases. Last evaluated: 2022-11-01. Review status: criteria provided, single submitter. Criteria: Ambry Variant Classification Scheme 2023. Collection method: clinical testing. Allele origin: germline.

PreventionGenetics, part of Exact Sciences
Classification: Uncertain significance for NOTCH2-related condition. Last evaluated: 2024-03-15. Review status: no assertion criteria provided. Collection method: clinical testing. Allele origin: germline. Not counted in ClinVar's aggregate classification.
Comment: The NOTCH2 c.4001C>G variant is predicted to result in the amino acid substitution p.Pro1334Arg. To our knowledge, this variant has not been reported in the literature. This variant is reported in 0.014% of alleles in individuals of African descent in gnomAD. Although we suspect that this variant may be benign, at this time, the clinical significance of this variant is uncertain due to the absence of conclusive functional and genetic evidence.

NM_024408.4(NOTCH2):c.4001C>G (p.Pro1334Arg)

Gene: NOTCH2 (notch receptor 2; minus strand). Cytogenetic location: 1p12.
Variant type: single nucleotide variant.
Coding change: c.4001C>G on transcript NM_024408.4 (MANE Select); coding-DNA position 4001, C replaced by G.
Protein change: p.Pro1334Arg; replaces proline 1334 with arginine.
Molecular consequence: missense variant.
Genome position (GRCh38, 1-based): chr1:119,926,503, G>C on the plus strand (C>G on the coding strand, the complement: NOTCH2 is on the minus strand). VCF-style: chr1-119926503-G-C. GRCh37 (hg19) VCF-style: chr1-120469126-G-C.
Other names: c.4001C>G (NM_024408.3); short protein forms P1334R.
Identifiers: ClinVar variation 2153398 (VCV002153398.7), dbSNP rs772588398, ClinGen allele CA1039933.